The following is an entry in ClinVar:

NM_001040142.2(SCN2A):c.2081T>A (p.Leu694Ter)

Gene: SCN2A (sodium voltage-gated channel alpha subunit 2; plus strand). Cytogenetic location: 2q24.3.
Variant type: single nucleotide variant.
Coding change: c.2081T>A on transcript NM_001040142.2 (MANE Select); coding-DNA position 2081, T replaced by A.
Protein change: p.Leu694Ter; replaces leucine 694 with a stop codon.
Molecular consequence: nonsense.
Genome position (GRCh38, 1-based): chr2:165,326,916, T>A. VCF-style: chr2-165326916-T-A. GRCh37 (hg19) VCF-style: chr2-166183426-T-A.
Other names: c.2081T>A, p.Leu694Ter (NM_001040143.2, NM_001371246.1, NM_001371247.1 and 1 more transcripts); short protein forms L694*.
Identifiers: ClinVar variation 1708221 (VCV001708221.2), dbSNP rs2467946472, ClinGen allele CA349029385.

ClinVar aggregate classification (germline): Pathogenic (1 of 4 stars; one submission).

Conditions:
Developmental and epileptic encephalopathy, 11 (DEE11). Also called: Early infantile epileptic encephalopathy 11. Identifiers: Orphanet 1934, MedGen C3150987, MONDO:0013388, OMIM 613721.

Submission:

Genetics Laboratory, UDIAT-Centre Diagnòstic, Hospital Universitari Parc Tauli
Classification: Pathogenic for Developmental and epileptic encephalopathy, 11. Last evaluated: 2022-10-04. Review status: criteria provided, single submitter. Criteria: Parc Tauli Hospital Assertion Criteria 2021. Collection method: clinical testing. Allele origin: de novo. Inheritance: Autosomal dominant inheritance. Affected: yes.
Comment: PVS1;PM2_supporting;PM6